The following is an entry in ClinVar:

NC_012920.1(MT-ATP6):m.8959G>A

Gene: MT-ATP6 (mitochondrially encoded ATP synthase 6; plus strand).
Variant type: single nucleotide variant.
Genome position: chrM-8959-G-A.
Identifiers: ClinVar variation 693036 (VCV000693036.1), dbSNP rs1603221944, ClinGen allele CA414801650.
Genomic context (GRCh38, chrMT:8,959, plus strand): 5'-CTAGCCCACTTCTTACCACAAGGCACACCTACACCCCTTATCCCCATACTAGTTATTATC[G>A]AAACCATCAGCCTACTCATTCAACCAATAGCCCTGGCCGTACGCCTAACCGCTAACATTA-3'

ClinVar aggregate classification (germline): Uncertain significance (1 of 4 stars; one submission).

Conditions:
Leigh syndrome (NULS). Also called: Leigh's necrotizing encephalopathy; Leigh's disease; Leigh Syndrome (mtDNA deletion); Leigh Disease; Subacute necrotizing encephalopathy; Necrotizing encephalopathy infantile subacute of Leigh. Identifiers: Orphanet 506, MedGen C2931891, MONDO:0009723, OMIM 256000.

Submission:

Wong Mito Lab, Molecular and Human Genetics, Baylor College of Medicine
Classification: Uncertain significance for Leigh syndrome. Last evaluated: 2019-10-17. Review status: criteria provided, single submitter. Criteria: Modified ACMG Guidelines (Unpublished). Collection method: clinical testing. Allele origin: germline.
Comment: The NC_012920.1:m.8959G>A (YP_003024031.1:p.Glu145Lys) variant in MTATP6 gene is interpretated to be a Uncertain Significance variant based on the modified ACMG guidelines (unpublished). This variant meets the following evidence codes: PM9, PP3, PP4

Literature cited by the submitters: PubMed 29307858.